The following is an entry in ClinVar:

NM_178138.6(LHX3):c.1156G>A (p.Ala386Thr)

Gene: LHX3 (LIM homeobox 3; minus strand). Cytogenetic location: 9q34.3.
Variant type: single nucleotide variant.
Coding change: c.1156G>A on transcript NM_178138.6 (MANE Select); coding-DNA position 1156, G replaced by A.
Protein change: p.Ala386Thr; replaces alanine 386 with threonine.
Molecular consequence: missense variant.
Genome position (GRCh38, 1-based): chr9:136,197,363, C>T on the plus strand (G>A on the coding strand, the complement: LHX3 is on the minus strand). VCF-style: chr9-136197363-C-T. GRCh37 (hg19) VCF-style: chr9-139089209-C-T.
Other names: c.1123G>A, p.Ala375Thr (NM_001363746.1); c.1171G>A, p.Ala391Thr (NM_014564.5); short protein forms A386T, A391T, A375T.
Identifiers: ClinVar variation 3118659 (VCV003118659.2), dbSNP rs373487851, ClinGen allele CA5330244.
Genomic context (GRCh38, chr9:136,197,363, plus strand): 5'-GCAGGGTGGAGCCGGGCCTGGGTCAGAACTGAGCGTGGTCTACCTCATCCAGCCAGGAGG[C>T]GGGGCTGGCAGGGAAGTCGGGGTAACCCCCGCTGCTCCCCGTGGATAGGTCAGAACTGGG-3'
Protein context (NP_835258.1, residues 376-396): GGYPDFPASP[Ala386Thr]SWLDEVDHAQ

ClinVar aggregate classification (germline): Uncertain significance. Review status: criteria provided, multiple submitters, no conflicts (2 of 4 stars). 2 submissions from 2 submitters: Uncertain significance (2). Last evaluated 2025-07-09.

Conditions:
Inborn genetic diseases. Identifiers: MedGen C0950123, MeSH D030342.

Allele frequency attached by ClinVar (database versions not stated): TOPMed below 0.00001; ExAC 0.00001; gnomAD 0.00001; ESP Exome Variant Server 0.00008.
gnomAD v4.1: 9 of 1,612,030 alleles (0.00056%); highest among the groups gnomAD compares: African/African-American, 0.004%; no homozygotes.

Submissions (2):

Women's Health and Genetics/Laboratory Corporation of America, LabCorp
Classification: Uncertain significance. Last evaluated: 2025-07-09. Review status: criteria provided, single submitter. Criteria: LabCorp Variant Classification Summary - May 2015. Collection method: clinical testing. Allele origin: germline.
Comment: Variant summary: LHX3 c.1171G>A (p.Ala391Thr) results in a non-conservative amino acid change in the encoded protein sequence. Algorithms developed to predict the effect of missense changes on protein structure and function all suggest that this variant is likely to be disruptive. The variant allele was found at a frequency of 8.2e-06 in 243096 control chromosomes. The available data on variant occurrences in the general population are insufficient to allow any conclusion about variant significance. To our knowledge, no occurrence of c.1171G>A in individuals affected with Combined Pituitary Hormone Deficiency and no experimental evidence demonstrating its impact on protein function have been reported. ClinVar contains an entry for this variant (Variation ID: 3118659). Based on the evidence outlined above, the variant was classified as uncertain significance.

Ambry Genetics
Classification: Uncertain significance for Inborn genetic diseases. Last evaluated: 2023-10-25. Review status: criteria provided, single submitter. Criteria: Ambry Variant Classification Scheme 2023. Collection method: clinical testing. Allele origin: germline.